The following is an entry in ClinVar:

NM_000179.3(MSH6):c.822C>T (p.Ser274=)

Gene: MSH6 (mutS homolog 6; plus strand). Cytogenetic location: 2p16.3.
Variant type: single nucleotide variant.
Coding change: c.822C>T on transcript NM_000179.3 (MANE Select); coding-DNA position 822, C replaced by T.
Protein change: p.Ser274=; no amino-acid change (serine 274 retained).
Molecular consequence: synonymous variant. On other transcripts: 5 prime UTR variant (2).
Genome position (GRCh38, 1-based): chr2:47,798,805, C>T. VCF-style: chr2-47798805-C-T. GRCh37 (hg19) VCF-style: chr2-48025944-C-T.
Other names: c.432C>T, p.Ser144= (NM_001281492.2); c.-85C>T (NM_001281493.2, NM_001281494.2).
Identifiers: ClinVar variation 507387 (VCV000507387.8), dbSNP rs768654339, ClinGen allele CA073473.

ClinVar aggregate classification (germline): Likely benign. Review status: criteria provided, multiple submitters, no conflicts (2 of 4 stars). 3 submissions from 3 submitters: Likely benign (3). Last evaluated 2024-03-07.

Conditions:
Hereditary nonpolyposis colorectal neoplasms. Identifiers: MedGen C0009405, MeSH D003123.
Hereditary cancer-predisposing syndrome. Also called: Hereditary neoplastic syndrome; Hereditary Cancer Syndrome; Neoplastic Syndromes, Hereditary; Tumor predisposition. Identifiers: Orphanet 140162, MedGen C0027672, MeSH D009386, MONDO:0015356.

Allele frequency attached by ClinVar (database versions not stated): gnomAD exomes below 0.00001; ExAC 0.00001.
gnomAD v4.1: 2 of 1,614,036 alleles (0.00012%); highest among the groups gnomAD compares: Non-Finnish European, 0.00017%; no homozygotes.

Submissions (3):

Labcorp Genetics (formerly Invitae), Labcorp
Classification: Likely benign for Hereditary nonpolyposis colorectal neoplasms. Last evaluated: 2024-03-07. Review status: criteria provided, single submitter. Criteria: Invitae Variant Classification Sherloc (09022015). Collection method: clinical testing. Allele origin: germline.

Ambry Genetics
Classification: Likely benign for Hereditary cancer-predisposing syndrome. Last evaluated: 2019-10-24. Review status: criteria provided, single submitter. Criteria: Ambry Variant Classification Scheme 2023. Collection method: clinical testing. Allele origin: germline.

GeneDx
Classification: Likely benign. Last evaluated: 2017-02-16. Review status: criteria provided, single submitter. Criteria: GeneDx Variant Classification (06012015). Collection method: clinical testing. Allele origin: germline. Affected: yes.
Comment: This variant is considered likely benign or benign based on one or more of the following criteria: it is a conservative change, it occurs at a poorly conserved position in the protein, it is predicted to be benign by multiple in silico algorithms, and/or has population frequency not consistent with disease.